The following is an entry in ClinVar:

NM_015141.4(GPD1L):c.829G>C (p.Glu277Gln)

Gene: GPD1L (glycerol-3-phosphate dehydrogenase 1 like; plus strand). Cytogenetic location: 3p22.3.
Variant type: single nucleotide variant.
Coding change: c.829G>C on transcript NM_015141.4 (MANE Select); coding-DNA position 829, G replaced by C.
Protein change: p.Glu277Gln; replaces glutamic acid 277 with glutamine.
Molecular consequence: missense variant.
Genome position (GRCh38, 1-based): chr3:32,159,086, G>C. VCF-style: chr3-32159086-G-C. GRCh37 (hg19) VCF-style: chr3-32200578-G-C.
Other names: c.829G>C (NM_015141.3); short protein forms E277Q.
Identifiers: ClinVar variation 1043274 (VCV001043274.6), dbSNP rs775843493, ClinGen allele CA72530388.

ClinVar aggregate classification (germline): Uncertain significance. Review status: criteria provided, multiple submitters, no conflicts (2 of 4 stars). 2 submissions from 2 submitters: Uncertain significance (2). Last evaluated 2025-10-05.

Conditions:
Brugada syndrome. Also called: Sudden unexpected nocturnal death syndrome; Sudden unexplained nocturnal death syndrome; Sudden Unexplained Death Syndrome; Sudden Unexplained Nocturnal Death Syndrome (SUNDS). Identifiers: Orphanet 130, MedGen C1142166, MONDO:0015263.
Cardiovascular phenotype. Identifiers: MedGen CN230736.

Allele frequency attached by ClinVar (database versions not stated): TOPMed below 0.00001; gnomAD 0.00001.
gnomAD v4.1: 1 of 1,613,512 alleles (0.000062%); highest among the groups gnomAD compares: African/African-American, 0.0013%; no homozygotes.

Submissions (2):

Ambry Genetics
Classification: Uncertain significance for Cardiovascular phenotype. Last evaluated: 2025-10-05. Review status: criteria provided, single submitter. Criteria: Ambry Variant Classification Scheme 2023. Collection method: clinical testing. Allele origin: germline.
Comment: The p.E277Q variant (also known as c.829G>C), located in coding exon 6 of the GPD1L gene, results from a G to C substitution at nucleotide position 829. The glutamic acid at codon 277 is replaced by glutamine, an amino acid with highly similar properties. This amino acid position is conserved. In addition, the in silico prediction for this alteration is inconclusive. Based on the available evidence, the clinical significance of this variant remains unclear.

Labcorp Genetics (formerly Invitae), Labcorp
Classification: Uncertain significance for Brugada syndrome. Last evaluated: 2024-02-16. Review status: criteria provided, single submitter. Criteria: Invitae Variant Classification Sherloc (09022015). Collection method: clinical testing. Allele origin: germline.
Comment: This sequence change replaces glutamic acid, which is acidic and polar, with glutamine, which is neutral and polar, at codon 277 of the GPD1L protein (p.Glu277Gln). This variant is present in population databases (no rsID available, gnomAD 0.01%). This variant has not been reported in the literature in individuals affected with GPD1L-related conditions. ClinVar contains an entry for this variant (Variation ID: 1043274). Advanced modeling of protein sequence and biophysical properties (such as structural, functional, and spatial information, amino acid conservation, physicochemical variation, residue mobility, and thermodynamic stability) performed at Invitae indicates that this missense variant is not expected to disrupt GPD1L protein function with a negative predictive value of 80%. In summary, the available evidence is currently insufficient to determine the role of this variant in disease. Therefore, it has been classified as a Variant of Uncertain Significance.